The following is an entry in ClinVar:

NM_000075.4(CDK4):c.834T>G (p.Phe278Leu)

Genes: CDK4 (cyclin dependent kinase 4; minus strand), TSPAN31 (tetraspanin 31; plus strand). Cytogenetic location: 12q14.1.
Variant type: single nucleotide variant.
Coding change: c.834T>G on transcript NM_000075.4 (MANE Select); coding-DNA position 834, T replaced by G.
Protein change: p.Phe278Leu; replaces phenylalanine 278 with leucine.
Molecular consequence: missense variant. On other transcripts: 3 prime UTR variant (3).
Genome position (GRCh38, 1-based): chr12:57,748,603, A>C on the plus strand (T>G on the coding strand, the complement: CDK4 is on the minus strand). VCF-style: chr12-57748603-A-C. GRCh37 (hg19) VCF-style: chr12-58142386-A-C.
Other names: c.*1313A>C (NM_001330168.2, NM_001330169.2, NM_005981.5); c.834T>G (NM_000075.3); short protein forms F278L.
Identifiers: ClinVar variation 1483403 (VCV001483403.9), dbSNP rs115576923, ClinGen allele CA385542587.

ClinVar aggregate classification (germline): Uncertain significance. Review status: criteria provided, multiple submitters, no conflicts (2 of 4 stars). 2 submissions from 2 submitters: Uncertain significance (2). Last evaluated 2025-03-06.

Conditions:
Hereditary cancer-predisposing syndrome. Also called: Tumor predisposition; Hereditary Cancer Syndrome; Hereditary neoplastic syndrome; Neoplastic Syndromes, Hereditary. Identifiers: Orphanet 140162, MedGen C0027672, MeSH D009386, MONDO:0015356.
Familial melanoma. Also called: Hereditary melanoma; Hereditary cutaneous melanoma. Identifiers: Orphanet 618, MedGen C1512419, MONDO:0018961.

Submissions (2):

Ambry Genetics
Classification: Uncertain significance for Hereditary cancer-predisposing syndrome. Last evaluated: 2025-03-06. Review status: criteria provided, single submitter. Criteria: Ambry Variant Classification Scheme 2023. Collection method: clinical testing. Allele origin: germline.
Comment: The p.F278L variant (also known as c.834T>G), located in coding exon 7 of the CDK4 gene, results from a T to G substitution at nucleotide position 834. The phenylalanine at codon 278 is replaced by leucine, an amino acid with highly similar properties. This amino acid position is well conserved in available vertebrate species. In addition, this alteration is predicted to be tolerated by in silico analysis. Based on the available evidence, the clinical significance of this variant remains unclear.

Labcorp Genetics (formerly Invitae), Labcorp
Classification: Uncertain significance for Familial melanoma. Last evaluated: 2024-04-11. Review status: criteria provided, single submitter. Criteria: Invitae Variant Classification Sherloc (09022015). Collection method: clinical testing. Allele origin: germline.
Comment: This sequence change replaces phenylalanine, which is neutral and non-polar, with leucine, which is neutral and non-polar, at codon 278 of the CDK4 protein (p.Phe278Leu). This variant is not present in population databases (gnomAD no frequency). This variant has not been reported in the literature in individuals affected with CDK4-related conditions. ClinVar contains an entry for this variant (Variation ID: 1483403). Advanced modeling of protein sequence and biophysical properties (such as structural, functional, and spatial information, amino acid conservation, physicochemical variation, residue mobility, and thermodynamic stability) performed at Invitae indicates that this missense variant is not expected to disrupt CDK4 protein function with a negative predictive value of 95%. In summary, the available evidence is currently insufficient to determine the role of this variant in disease. Therefore, it has been classified as a Variant of Uncertain Significance.